The following is an entry in ClinVar:

NM_000295.5(SERPINA1):c.*224G>A

Gene: SERPINA1 (serpin family A member 1; minus strand). Cytogenetic location: 14q32.13.
Variant type: single nucleotide variant.
Coding change: c.*224G>A on transcript NM_000295.5 (MANE Select); 224 bases downstream of the stop codon, G replaced by A.
Molecular consequence: 3 prime UTR variant.
Genome position (GRCh38, 1-based): chr14:94,378,225, C>T on the plus strand (G>A on the coding strand, the complement: SERPINA1 is on the minus strand). VCF-style: chr14-94378225-C-T. GRCh37 (hg19) VCF-style: chr14-94844562-C-T.
Other names: c.*224G>A (NM_001002235.3, NM_001002236.3, NM_001127700.2 and 7 more transcripts).
Identifiers: ClinVar variation 315020 (VCV000315020.8), dbSNP rs2073333, ClinGen allele CA10645407.

ClinVar aggregate classification (germline): Benign. Review status: criteria provided, multiple submitters, no conflicts (2 of 4 stars). 3 submissions from 3 submitters: Benign (3). Last evaluated 2018-07-09.

Conditions:
Alpha-1-antitrypsin deficiency (A1ATD). Also called: Alpha1-Antitrypsin Deficiency; AAT deficiency; A1AT deficiency. Identifiers: Orphanet 60, MedGen C0221757, MONDO:0013282, OMIM 613490.

Allele frequency attached by ClinVar (database versions not stated): gnomAD 0.21724 and 0.22803; TOPMed 0.22161; 1000 Genomes Project 30x 0.27124; gnomAD exomes 0.27157; 1000 Genomes Project 0.27875.
gnomAD v4.1: 154,866 of 595,802 alleles (26%); highest among the groups gnomAD compares: South Asian, 42%; 21,857 homozygotes.

Submissions (3):

GeneDx
Classification: Benign. Last evaluated: 2018-07-09. Review status: criteria provided, single submitter. Criteria: GeneDx Variant Classification Process June 2021. Collection method: clinical testing. Allele origin: germline. Affected: yes.

Illumina Laboratory Services, Illumina
Classification: Benign for Alpha-1-antitrypsin deficiency. Last evaluated: 2018-01-13. Review status: criteria provided, single submitter. Criteria: ICSL Variant Classification Criteria 13 December 2019. Collection method: clinical testing. Allele origin: germline.
Comment: This variant was observed in the ICSL laboratory as part of a predisposition screen in an ostensibly healthy population. It had not been previously curated by ICSL or reported in the Human Gene Mutation Database (HGMD: prior to June 1st, 2018), and was therefore a candidate for classification through an automated scoring system. Utilizing variant allele frequency, disease prevalence and penetrance estimates, and inheritance mode, an automated score was calculated to assess if this variant is too frequent to cause the disease. Based on the score and internal cut-off values, a variant classified as benign is not then subjected to further curation. The score for this variant resulted in a classification of benign for this disease.

Breakthrough Genomics
Classification: Benign. Review status: criteria provided, single submitter. Criteria: ACMG Guidelines, 2015. Collection method: not provided. Allele origin: germline. Inheritance: Autosomal recessive inheritance. Affected: yes.